The following is an entry in ClinVar:

NM_006343.3(MERTK):c.774G>A (p.Ala258=)

Gene: MERTK (MER proto-oncogene, tyrosine kinase; plus strand). Cytogenetic location: 2q13.
Variant type: single nucleotide variant.
Coding change: c.774G>A on transcript NM_006343.3 (MANE Select); coding-DNA position 774, G replaced by A.
Protein change: p.Ala258=; no amino-acid change (alanine 258 retained).
Molecular consequence: synonymous variant.
Genome position (GRCh38, 1-based): chr2:111,965,207, G>A. VCF-style: chr2-111965207-G-A. GRCh37 (hg19) VCF-style: chr2-112722784-G-A.
Identifiers: ClinVar variation 3057839 (VCV003057839.3), dbSNP rs1409163853, ClinGen allele CA428273681.

ClinVar aggregate classification (germline): Likely benign. Review status: criteria provided, single submitter (1 of 4 stars). 2 submissions from 2 submitters: Likely benign (1). 1 of the submissions does not count toward it. Last evaluated 2021-11-10.

Conditions:
MERTK-related disorder. Also called: MERTK-related condition.

Allele frequency attached by ClinVar (database versions not stated): gnomAD 0.00002; gnomAD exomes 0.00002; TOPMed 0.00002.
gnomAD v4.1: 27 of 1,614,074 alleles (0.0017%); highest among the groups gnomAD compares: East Asian, 0.0067%; no homozygotes.

Submissions (2):

Blueprint Genetics
Classification: Likely benign. Last evaluated: 2021-11-10. Review status: criteria provided, single submitter. Criteria: ACMG Guidelines, 2015. Collection method: clinical testing. Allele origin: germline.

PreventionGenetics, part of Exact Sciences
Classification: Likely benign for MERTK-related condition. Last evaluated: 2019-02-22. Review status: no assertion criteria provided. Collection method: clinical testing. Allele origin: germline. Not counted in ClinVar's aggregate classification.
Comment: This variant is classified as likely benign based on ACMG/AMP sequence variant interpretation guidelines (Richards et al. 2015 PMID: 25741868, with internal and published modifications).